The following is an entry in ClinVar:

NM_198578.4(LRRK2):c.1390A>G (p.Lys464Glu)

Gene: LRRK2 (leucine rich repeat kinase 2; plus strand). Cytogenetic location: 12q12.
Variant type: single nucleotide variant.
Coding change: c.1390A>G on transcript NM_198578.4 (MANE Select); coding-DNA position 1390, A replaced by G.
Protein change: p.Lys464Glu; replaces lysine 464 with glutamic acid.
Molecular consequence: missense variant.
Genome position (GRCh38, 1-based): chr12:40,257,349, A>G. VCF-style: chr12-40257349-A-G. GRCh37 (hg19) VCF-style: chr12-40651151-A-G.
Other names: short protein forms K464E.
Identifiers: ClinVar variation 2453096 (VCV002453096.2), dbSNP rs2499538265, ClinGen allele CA384410817.

ClinVar aggregate classification (germline): Uncertain significance (1 of 4 stars; one submission).

Conditions:
Inborn genetic diseases. Identifiers: MedGen C0950123, MeSH D030342.

Allele frequency attached by ClinVar (database versions not stated): gnomAD exomes below 0.00001.
gnomAD v4.1: 1 of 1,612,966 alleles (0.000062%); highest among the groups gnomAD compares: Non-Finnish European, 0.000085%; no homozygotes.

Submission:

Ambry Genetics
Classification: Uncertain significance for Inborn genetic diseases. Last evaluated: 2023-01-28. Review status: criteria provided, single submitter. Criteria: Ambry Variant Classification Scheme 2023. Collection method: clinical testing. Allele origin: germline.
Comment: The p.K464E variant (also known as c.1390A>G), located in coding exon 12 of the LRRK2 gene, results from an A to G substitution at nucleotide position 1390. The lysine at codon 464 is replaced by glutamic acid, an amino acid with similar properties. This amino acid position is conserved. In addition, this alteration is predicted to be tolerated by in silico analysis. Since supporting evidence is limited at this time, the clinical significance of this alteration remains unclear.